The following is an entry in ClinVar:

NM_172351.3(CD46):c.257G>A (p.Trp86Ter)

Gene: CD46 (CD46 molecule; plus strand). Cytogenetic location: 1q32.2.
Variant type: single nucleotide variant.
Coding change: c.257G>A on transcript NM_172351.3 (MANE Select); coding-DNA position 257, G replaced by A.
Protein change: p.Trp86Ter; replaces tryptophan 86 with a stop codon.
Molecular consequence: nonsense.
Genome position (GRCh38, 1-based): chr1:207,757,173, G>A. VCF-style: chr1-207757173-G-A. GRCh37 (hg19) VCF-style: chr1-207930518-G-A.
Other names: p.Trp86*; c.257G>A, p.Trp86Ter (NM_002389.4, NM_153826.4, NM_172350.3 and 8 more transcripts); short protein forms W86*.
Identifiers: ClinVar variation 2010523 (VCV002010523.5), dbSNP rs2526402741, ClinGen allele CA344548249.

ClinVar aggregate classification (germline): Pathogenic/Likely pathogenic. Review status: criteria provided, multiple submitters, no conflicts (2 of 4 stars). 2 submissions from 2 submitters: Pathogenic (1); Likely pathogenic (1). Last evaluated 2023-11-06.

Submissions (2):

Mayo Clinic Laboratories, Mayo Clinic
Classification: Likely pathogenic. Last evaluated: 2023-11-06. Review status: criteria provided, single submitter. Criteria: ACMG Guidelines, 2015. Collection method: clinical testing. Allele origin: germline. Observed: 1 variant allele.
Comment: PM2, PVS1

Labcorp Genetics (formerly Invitae), Labcorp
Classification: Pathogenic. Last evaluated: 2022-06-25. Review status: criteria provided, single submitter. Criteria: Invitae Variant Classification Sherloc (09022015). Collection method: clinical testing. Allele origin: germline.
Comment: This variant has not been reported in the literature in individuals affected with CD46-related conditions. This variant is not present in population databases (gnomAD no frequency). This sequence change creates a premature translational stop signal (p.Trp86*) in the CD46 gene. It is expected to result in an absent or disrupted protein product. Loss-of-function variants in CD46 are known to be pathogenic (PMID: 16621965, 23431077). For these reasons, this variant has been classified as Pathogenic.

Literature cited by the submitters: PubMed 16621965 (cited by Labcorp Genetics (formerly Invitae), Labcorp); PubMed 23431077 (cited by Labcorp Genetics (formerly Invitae), Labcorp).